The following is an entry in ClinVar:

NM_005391.5(PDK3):c.204G>A (p.Pro68=)

Gene: PDK3 (pyruvate dehydrogenase kinase 3; plus strand). Cytogenetic location: Xp22.11.
Variant type: single nucleotide variant.
Coding change: c.204G>A on transcript NM_005391.5 (MANE Select); coding-DNA position 204, G replaced by A.
Protein change: p.Pro68=; no amino-acid change (proline 68 retained).
Molecular consequence: synonymous variant.
Genome position (GRCh38, 1-based): chrX:24,494,839, G>A. VCF-style: chrX-24494839-G-A. GRCh37 (hg19) VCF-style: chrX-24512956-G-A.
Other names: c.204G>A, p.Pro68= (NM_001142386.3).
Identifiers: ClinVar variation 1164809 (VCV001164809.24), dbSNP rs201536570, ClinGen allele CA10372238.

ClinVar aggregate classification (germline): Benign/Likely benign. Review status: criteria provided, multiple submitters, no conflicts (2 of 4 stars). 2 submissions from 2 submitters: Benign (1); Likely benign (1). Last evaluated 2024-09-01.

Conditions:
Charcot-Marie-Tooth disease X-linked dominant 6. Also called: CHARCOT-MARIE-TOOTH NEUROPATHY, X-LINKED DOMINANT, 6. Identifiers: Orphanet 352675, MedGen C3806702, MONDO:0010479, OMIM 300905.

Allele frequency attached by ClinVar (database versions not stated): TOPMed 0.00002; gnomAD 0.00003 and 0.00005; gnomAD exomes 0.00003; ExAC 0.00005; ESP Exome Variant Server 0.00009; 1000 Genomes Project 30x 0.00021; 1000 Genomes Project 0.00026.
gnomAD v4.1: 39 of 1,204,624 alleles (0.0032%); highest among the groups gnomAD compares: African/African-American, 0.033%; no homozygotes.

Submissions (2):

CeGaT Center for Human Genetics Tuebingen
Classification: Likely benign. Last evaluated: 2024-09-01. Review status: criteria provided, single submitter. Criteria: CeGaT Center For Human Genetics Tuebingen Variant Classification Criteria Version 2. Collection method: clinical testing. Allele origin: germline. Affected: yes. Observed: 1 variant allele.
Comment: PDK3: BP4, BP7, BS2

Labcorp Genetics (formerly Invitae), Labcorp
Classification: Benign for Charcot-Marie-Tooth disease X-linked dominant 6. Last evaluated: 2022-11-08. Review status: criteria provided, single submitter. Criteria: Invitae Variant Classification Sherloc (09022015). Collection method: clinical testing. Allele origin: germline.